The following is an entry in ClinVar:

ClinVar aggregate classification (germline): Conflicting classifications of pathogenicity. Review status: criteria provided, conflicting classifications (1 of 4 stars). 2 submissions from 2 submitters: Uncertain significance (1); Likely benign (1). Last evaluated 2022-08-21.

Conditions:
Cardiomyopathy (CMYO). Also called: Cardiomyopathies. Identifiers: Orphanet 167848, MedGen C0878544, MONDO:0004994, HP:0001638. Inheritance: Various modes of inheritance.
Cardiomyopathy, familial restrictive, 3. Identifiers: Orphanet 75249, MedGen C2676271, MONDO:0012900, OMIM 612422.
Hypertrophic cardiomyopathy 2. Also called: TNNT2-Related Familial Hypertrophic Cardiomyopathy. Identifiers: MedGen C1861864, MONDO:0007266, OMIM 115195.
Dilated cardiomyopathy 1D. Identifiers: Orphanet 154, Orphanet 54260, MedGen C1832243, MONDO:0011095, OMIM 601494.

gnomAD v4.1: 1 of 1,599,802 alleles (0.000063%); highest among the groups gnomAD compares: Non-Finnish European, 0.000085%; no homozygotes.

Submissions (2):

Labcorp Genetics (formerly Invitae), Labcorp
Classification: Uncertain significance for Cardiomyopathy, familial restrictive, 3; Hypertrophic cardiomyopathy 2; Dilated cardiomyopathy 1D. Last evaluated: 2022-08-21. Review status: criteria provided, single submitter. Criteria: Invitae Variant Classification Sherloc (09022015). Collection method: clinical testing. Allele origin: germline.
Comment: This variant is not present in population databases (gnomAD no frequency). This sequence change affects codon 273 of the TNNT2 mRNA. It is a 'silent' change, meaning that it does not change the encoded amino acid sequence of the TNNT2 protein. This variant has not been reported in the literature in individuals affected with TNNT2-related conditions. In summary, the available evidence is currently insufficient to determine the role of this variant in disease. Therefore, it has been classified as a Variant of Uncertain Significance. Algorithms developed to predict the effect of sequence changes on RNA splicing suggest that this variant may create or strengthen a splice site. ClinVar contains an entry for this variant (Variation ID: 1172179).

Color Diagnostics, LLC DBA Color Health
Classification: Likely benign for Cardiomyopathy. Last evaluated: 2021-01-19. Review status: criteria provided, single submitter. Criteria: ACMG Guidelines, 2015. Collection method: clinical testing. Allele origin: germline.

NM_001276345.2(TNNT2):c.849A>G (p.Lys283=)

Gene: TNNT2 (troponin T2, cardiac type; minus strand). Cytogenetic location: 1q32.1.
Variant type: single nucleotide variant.
Coding change: c.849A>G on transcript NM_001276345.2 (MANE Select); coding-DNA position 849, A replaced by G.
Protein change: p.Lys283=; no amino-acid change (lysine 283 retained).
Molecular consequence: synonymous variant.
Genome position (GRCh38, 1-based): chr1:201,359,625, T>C on the plus strand (A>G on the coding strand, the complement: TNNT2 is on the minus strand). VCF-style: chr1-201359625-T-C. GRCh37 (hg19) VCF-style: chr1-201328753-T-C.
Other names: c.840A>G, p.Lys280= (NM_000364.4); c.819A>G, p.Lys273= (NM_001001430.3, NM_001276347.2); c.810A>G, p.Lys270= (NM_001001431.3); c.801A>G, p.Lys267= (NM_001001432.3); c.720A>G, p.Lys240= (NM_001276346.2).
Identifiers: ClinVar variation 1172179 (VCV001172179.7), dbSNP rs2102216749, ClinGen allele CA422527284.
Genomic context (GRCh38, chr1:201,359,625, plus strand): 5'-AAGGTAGGGAAGGAGGGGGCAGGGGGAGGGCTAGGCGAGAATGACCTCAGACACTTACAC[T>C]TTCTGGTTATCGTTGATCCTGTTTCGGAGAACATTGATCTGCAAGAAAAGTGGGAAGGAC-3'
Protein context (NP_001263274.1, residues 273-293): VLRNRINDNQ[Lys283=]VSKTRGKAKV